The following is an entry in ClinVar:

ClinVar aggregate classification (germline): Pathogenic/Likely pathogenic. Review status: criteria provided, multiple submitters, no conflicts (2 of 4 stars). 3 submissions from 3 submitters: Pathogenic (1); Likely pathogenic (2). Last evaluated 2026-04-09.

Conditions:
Primary hyperoxaluria, type II (HP2). Also called: Primary hyperoxaluria type 2; D-GLYCERATE DEHYDROGENASE DEFICIENCY; GLYCERIC ACIDURIA; GLYOXYLATE REDUCTASE/HYDROXYPYRUVATE REDUCTASE DEFICIENCY; OXALOSIS II. Identifiers: Orphanet 416, Orphanet 93599, MedGen C0268165, MONDO:0009824, OMIM 260000. Disease mechanism: loss of function.

Allele frequency attached by ClinVar (database versions not stated): ExAC 0.00001.
gnomAD v4.1: 6 of 1,608,798 alleles (0.00037%); highest among the groups gnomAD compares: South Asian, 0.0066%; no homozygotes.

Submissions (3):

Myriad Genetics, Inc.
Classification: Likely pathogenic for Primary hyperoxaluria, type II. Last evaluated: 2026-04-09. Review status: criteria provided, single submitter. Criteria: Myriad Autosomal Dominant, Autosomal Recessive and X-Linked Classification Criteria (2023). Collection method: clinical testing. Allele origin: unknown.
Comment: NM_012203.1(GRHPR):c.412T>C(W138R) is a missense variant classified as likely pathogenic in the context of primary hyperoxaluria type 2. W138R has been observed in cases with relevant disease (PMID: 41703089, 36185032, 35678848). Relevant functional assessments of this variant are not available in the literature. W138R has been observed in referenced population frequency databases. In summary, NM_012203.1(GRHPR):c.412T>C(W138R) is a missense variant that has been observed more frequently in cases with the relevant disease than in healthy populations. Please note: this variant was assessed in the context of healthy population screening.

Women's Health and Genetics/Laboratory Corporation of America, LabCorp
Classification: Pathogenic for Primary hyperoxaluria, type II. Last evaluated: 2025-06-19. Review status: criteria provided, single submitter. Criteria: LabCorp Variant Classification Summary - May 2015. Collection method: clinical testing. Allele origin: germline.
Comment: Variant summary: GRHPR c.412T>C (p.Trp138Arg) results in a non-conservative amino acid change in the encoded protein sequence. Algorithms developed to predict the effect of missense changes on protein structure and function all suggest that this variant is likely to be disruptive. The variant allele was found at a frequency of 4e-06 in 250742 control chromosomes. c.412T>C has been observed in multiple homozygous individuals affected with nephrocalcinosis (e.g. Hashmi_2022). These data indicate that the variant is very likely to be associated with disease. To our knowledge, no experimental evidence demonstrating an impact on protein function has been reported. The following publication has been ascertained in the context of this evaluation (PMID: 35678848). ClinVar contains an entry for this variant (Variation ID: 2664419). Based on the evidence outlined above, the variant was classified as pathogenic.

Clinical Biochemistry Laboratory, Health Services Laboratory
Classification: Likely pathogenic for Primary hyperoxaluria, type II. Last evaluated: 2023-10-27. Review status: criteria provided, single submitter. Criteria: ACMG Guidelines, 2015. Collection method: curation. Allele origin: germline. Affected: yes.
Comment: ACMG:PM1 PM2 PP3

Literature cited by the submitters: PubMed 35678848 (cited by 3 submitters); PubMed 36185032 (cited by Myriad Genetics, Inc. and Clinical Biochemistry Laboratory, Health Services Laboratory); PubMed 41703089 (cited by Myriad Genetics, Inc.).

NM_012203.2(GRHPR):c.412T>C (p.Trp138Arg)

Gene: GRHPR (glyoxylate and hydroxypyruvate reductase; plus strand). Cytogenetic location: 9p13.2.
Variant type: single nucleotide variant.
Coding change: c.412T>C on transcript NM_012203.2 (MANE Select); coding-DNA position 412, T replaced by C.
Protein change: p.Trp138Arg; replaces tryptophan 138 with arginine.
Molecular consequence: missense variant.
Genome position (GRCh38, 1-based): chr9:37,428,491, T>C. VCF-style: chr9-37428491-T-C. GRCh37 (hg19) VCF-style: chr9-37428488-T-C.
Other names: short protein forms W138R.
Identifiers: ClinVar variation 2664419 (VCV002664419.3), dbSNP rs746364242, ClinGen allele CA5059053.
Genomic context (GRCh38, chr9:37,428,491, plus strand): 5'-CCCCATCTTGGTCCAAGGCTGGGCCTCTCACCTGCCCCTCTCTCTCCCCTCAGTGGTGGC[T>C]GGACCTCGTGGAAGCCCCTCTGGCTGTGTGGCTATGGACTCACGCAGAGCACTGTCGGCA-3'
Protein context (NP_036335.1, residues 128-148): EAIEEVKNGG[Trp138Arg]TSWKPLWLCG